The following is an entry in ClinVar:

ClinVar aggregate classification (germline): Benign/Likely benign. Review status: criteria provided, multiple submitters, no conflicts (2 of 4 stars). 8 submissions from 8 submitters: Benign (2); Likely benign (5). 1 of the submissions does not count toward it. Last evaluated 2026-08-01.

Conditions:
Episodic pain syndrome, familial, 2 (FEPS2). Identifiers: Orphanet 306577, MedGen C3809893, MONDO:0014246, OMIM 615551.
Impaired temperature sensation. Also called: Impaired thermal sensitivity. Identifiers: MedGen C4021222, HP:0010829.
Cardiovascular phenotype. Identifiers: MedGen CN230736.
Brugada syndrome 1 (BRGDA1). Also called: RIGHT BUNDLE BRANCH BLOCK, ST SEGMENT ELEVATION, AND SUDDEN DEATH SYNDROME. Identifiers: Orphanet 130, MedGen C4551804, MONDO:0011001, OMIM 601144.
Brugada syndrome. Also called: Sudden unexplained nocturnal death syndrome; Sudden Unexplained Death Syndrome; Sudden Unexplained Nocturnal Death Syndrome (SUNDS); Sudden unexpected nocturnal death syndrome. Identifiers: Orphanet 130, MedGen C1142166, MONDO:0015263.

Allele frequency attached by ClinVar (database versions not stated): gnomAD 0.00047 and 0.00065; TOPMed 0.00065; 1000 Genomes Project 0.00100; 1000 Genomes Project 30x 0.00109; gnomAD exomes 0.00124 and 0.00147; ESP Exome Variant Server 0.00131; ExAC 0.00157.
gnomAD v4.1: 1,912 of 1,614,094 alleles (0.12%); highest among the groups gnomAD compares: South Asian, 0.75%; 15 homozygotes.

Submissions (8):

CeGaT Center for Human Genetics Tuebingen
Classification: Likely benign. Last evaluated: 2026-08-01. Review status: criteria provided, single submitter. Criteria: CeGaT Center For Human Genetics Tuebingen Variant Classification Criteria Version 2. Collection method: clinical testing. Allele origin: germline. Affected: yes. Observed: 4 variant alleles.
Comment: SCN10A: PP3, BS1

Labcorp Genetics (formerly Invitae), Labcorp
Classification: Benign for Brugada syndrome. Last evaluated: 2026-01-19. Review status: criteria provided, single submitter. Criteria: Invitae Variant Classification Sherloc (09022015). Collection method: clinical testing. Allele origin: germline.

Women's Health and Genetics/Laboratory Corporation of America, LabCorp
Classification: Likely benign. Last evaluated: 2025-05-28. Review status: criteria provided, single submitter. Criteria: LabCorp Variant Classification Summary - May 2015. Collection method: clinical testing. Allele origin: germline.

Fulgent Genetics
Classification: Likely benign for Episodic pain syndrome, familial, 2. Last evaluated: 2021-07-23. Review status: criteria provided, single submitter. Criteria: ACMG Guidelines, 2015. Collection method: clinical testing. Allele origin: unknown.

Mendelics
Classification: Likely benign for Brugada syndrome 1. Last evaluated: 2019-05-28. Review status: criteria provided, single submitter. Criteria: Mendelics Assertion Criteria 2017. Collection method: clinical testing. Allele origin: unknown.

Ambry Genetics
Classification: Likely benign for Cardiovascular phenotype. Last evaluated: 2019-04-16. Review status: criteria provided, single submitter. Criteria: Ambry Variant Classification Scheme 2023. Collection method: clinical testing. Allele origin: germline.

GeneDx
Classification: Benign. Last evaluated: 2017-11-28. Review status: criteria provided, single submitter. Criteria: GeneDx Variant Classification (06012015). Collection method: clinical testing. Allele origin: germline. Affected: yes.
Comment: This variant is considered likely benign or benign based on one or more of the following criteria: it is a conservative change, it occurs at a poorly conserved position in the protein, it is predicted to be benign by multiple in silico algorithms, and/or has population frequency not consistent with disease.

NIHR Bioresource Rare Diseases, University of Cambridge
Classification: Likely pathogenic for Impaired temperature sensation. Review status: no assertion criteria provided. Collection method: research. Allele origin: unknown. Affected: yes. Observed: 1 variant allele. Not counted in ClinVar's aggregate classification.

Literature cited by the submitters: PubMed 32581362 (cited by NIHR Bioresource Rare Diseases, University of Cambridge).

NM_006514.4(SCN10A):c.4984G>A (p.Gly1662Ser)

Gene: SCN10A (sodium voltage-gated channel alpha subunit 10; minus strand). Cytogenetic location: 3p22.2.
Variant type: single nucleotide variant.
Coding change: c.4984G>A on transcript NM_006514.4 (MANE Select); coding-DNA position 4984, G replaced by A.
Protein change: p.Gly1662Ser; replaces glycine 1662 with serine.
Molecular consequence: missense variant.
Genome position (GRCh38, 1-based): chr3:38,698,236, C>T on the plus strand (G>A on the coding strand, the complement: SCN10A is on the minus strand). VCF-style: chr3-38698236-C-T. GRCh37 (hg19) VCF-style: chr3-38739727-C-T.
Other names: c.4981G>A, p.Gly1661Ser (NM_001293306.2); c.4690G>A, p.Gly1564Ser (NM_001293307.2); short protein forms G1662S, G1564S, G1661S.
Identifiers: ClinVar variation 414633 (VCV000414633.40), dbSNP rs151090729, ClinGen allele CA2319765.
Genomic context (GRCh38, chr3:38,698,236, plus strand): 5'-GATTGGGGTCACAGTAGGGGGGCCCTGTGTTGAGGATGGGGCTGAGGAGGCCATCCCAGC[C>T]GGCCGACGTGGTAATCTGGAAGAGGCACAGCATGCTGTTGGCGAAGGTCTGGAAGTTGAA-3'
Protein context (NP_006505.4, residues 1652-1672): LCLFQITTSA[Gly1662Ser]WDGLLSPILN